The following is an entry in ClinVar:

NM_001367721.1(CASK):c.1504-5A>G

Gene: CASK (calcium/calmodulin dependent serine protein kinase; minus strand). Cytogenetic location: Xp11.4.
Variant type: single nucleotide variant.
Coding change: c.1504-5A>G on transcript NM_001367721.1 (MANE Select); 5 bases into the intron before coding-DNA position 1504, A replaced by G.
Molecular consequence: intron variant.
Genome position (GRCh38, 1-based): chrX:41,569,751, T>C on the plus strand (A>G on the coding strand, the complement: CASK is on the minus strand). VCF-style: chrX-41569751-T-C. GRCh37 (hg19) VCF-style: chrX-41429004-T-C.
Other names: c.1486-5A>G (NM_001410745.1, NM_001126055.3); c.1504-5A>G (NM_001126054.3, NM_003688.4).
Identifiers: ClinVar variation 2660350 (VCV002660350.24), dbSNP rs2065379564, ClinGen allele CA2425959204.
Genomic context (GRCh38, chrX:41,569,751, plus strand): 5'-TGCATAATTCTTGCAACAATACAATGATTTAGTTCATTCATTTTTAAAGTGATTCCCTGT[T>C]AAAAAAAAAATAAAAAGTTCAGCAAAAGTAGAATTACTATGACAGTGCTTCTCTTAATAT-3'

ClinVar aggregate classification (germline): Uncertain significance (1 of 4 stars; one submission).

Submission:

CeGaT Center for Human Genetics Tuebingen
Classification: Uncertain significance. Last evaluated: 2022-05-01. Review status: criteria provided, single submitter. Criteria: CeGaT Center For Human Genetics Tuebingen Variant Classification Criteria Version 2. Collection method: clinical testing. Allele origin: germline. Affected: yes. Observed: 1 variant allele.
Comment: CASK: PM2, BP4